The following is an entry in ClinVar:

ClinVar aggregate classification (germline): Uncertain significance (1 of 4 stars; one submission).

Submission:

GeneDx
Classification: Uncertain significance. Last evaluated: 2025-06-20. Review status: criteria provided, single submitter. Criteria: GeneDx Variant Classification Process June 2021. Collection method: clinical testing. Allele origin: germline. Affected: yes.
Comment: In silico analysis supports that this missense variant has a deleterious effect on protein structure/function; Has not been previously published as pathogenic or benign to our knowledge

NM_181672.3(OGT):c.1669C>T (p.Arg557Cys)

Gene: OGT (O-linked N-acetylglucosamine (GlcNAc) transferase; plus strand). Cytogenetic location: Xq13.1.
Variant type: single nucleotide variant.
Coding change: c.1669C>T on transcript NM_181672.3 (MANE Select); coding-DNA position 1669, C replaced by T.
Protein change: p.Arg557Cys; replaces arginine 557 with cysteine.
Molecular consequence: missense variant.
Genome position (GRCh38, 1-based): chrX:71,559,333, C>T. VCF-style: chrX-71559333-C-T. GRCh37 (hg19) VCF-style: chrX-70779183-C-T.
Other names: c.1639C>T, p.Arg547Cys (NM_181673.3); short protein forms R547C, R557C.
Identifiers: ClinVar variation 4538694 (VCV004538694.1).